The following is an entry in ClinVar:

NM_000642.3(AGL):c.3047C>G (p.Thr1016Ser)

Gene: AGL (amylo-alpha-1,6-glucosidase and 4-alpha-glucanotransferase; plus strand). Cytogenetic location: 1p21.2.
Variant type: single nucleotide variant.
Coding change: c.3047C>G on transcript NM_000642.3 (MANE Select); coding-DNA position 3047, C replaced by G.
Protein change: p.Thr1016Ser; replaces threonine 1016 with serine.
Molecular consequence: missense variant.
Genome position (GRCh38, 1-based): chr1:99,891,703, C>G. VCF-style: chr1-99891703-C-G. GRCh37 (hg19) VCF-style: chr1-100357259-C-G.
Other names: c.3047C>G, p.Thr1016Ser (NM_000028.3, NM_000643.3, NM_000644.3 and 1 more transcripts); c.2999C>G, p.Thr1000Ser (NM_000646.3); c.3026C>G, p.Thr1009Ser (NM_001425326.1); c.2846C>G, p.Thr949Ser (NM_001425327.1); c.2843C>G, p.Thr948Ser (NM_001425328.1); c.2708C>G, p.Thr903Ser (NM_001425329.1); c.2669C>G, p.Thr890Ser (NM_001425332.1); short protein forms T1016S, T1000S, T1009S, T890S, T903S, T948S, T949S.
Identifiers: ClinVar variation 1510216 (VCV001510216.3), dbSNP rs1221645372, ClinGen allele CA341326214.

ClinVar aggregate classification (germline): Uncertain significance (1 of 4 stars; one submission).

Conditions:
Glycogen storage disease type III (GSD3). Also called: FORBES DISEASE; Cori disease. Identifiers: Orphanet 366, MedGen C0017922, MONDO:0009291, OMIM 232400.

Allele frequency attached by ClinVar (database versions not stated): TOPMed below 0.00001; gnomAD 0.00001.
gnomAD v4.1: 1 of 1,613,346 alleles (0.000062%); highest among the groups gnomAD compares: Non-Finnish European, 0.000085%; no homozygotes.

Submission:

Labcorp Genetics (formerly Invitae), Labcorp
Classification: Uncertain significance for Glycogen storage disease type III. Last evaluated: 2022-08-01. Review status: criteria provided, single submitter. Criteria: Invitae Variant Classification Sherloc (09022015). Collection method: clinical testing. Allele origin: germline.
Comment: This sequence change replaces threonine, which is neutral and polar, with serine, which is neutral and polar, at codon 1016 of the AGL protein (p.Thr1016Ser). This variant is not present in population databases (gnomAD no frequency). This variant has not been reported in the literature in individuals affected with AGL-related conditions. ClinVar contains an entry for this variant (Variation ID: 1510216). Algorithms developed to predict the effect of missense changes on protein structure and function (SIFT, PolyPhen-2, Align-GVGD) all suggest that this variant is likely to be tolerated. Algorithms developed to predict the effect of sequence changes on RNA splicing suggest that this variant may create or strengthen a splice site. In summary, the available evidence is currently insufficient to determine the role of this variant in disease. Therefore, it has been classified as a Variant of Uncertain Significance.